The following is an entry in ClinVar:

ClinVar aggregate classification (germline): Pathogenic (3 of 4 stars; one submission).

Conditions:
ATM-related cancer predisposition. Also called: ATM-related cancer susceptibility. Identifiers: MedGen CN377759, MONDO:0700270.

Submission:

ClinGen Hereditary Breast, Ovarian and Pancreatic Cancer Variant Curation Expert Panel, ClinGen
Classification: Pathogenic for ATM-related cancer predisposition. Last evaluated: 2026-06-30. Review status: reviewed by expert panel. Criteria: ClinGen HBOP ACMG Specifications ATM V1.5.0. Collection method: curation. Allele origin: germline. Inheritance: Autosomal dominant inheritance.
Comment: The c.8206_8207del (p.Asn2736Tyrfs*10) variant in ATM is a frameshift variant predicted to cause a premature stop codon in biologically-relevant-exon leading to nonsense mediated decay in a gene in which loss-of-function is an established disease mechanism. This alteration results in a termination codon upstream of the most C-terminus pathogenic alteration (ATM p.Arg3047*), as classified by the HBOP VCEP, and is expected to be more deleterious. This variant has been detected in at least one individual with Ataxia-Telangiectasia and has been reported to segregate with Ataxia-Telangiectasia in 2 affected family members from one family (9463314, 26896183). This variant is absent from gnomAD v4.1.0. In summary, this variant meets the criteria to be classified as pathogenic for autosomal dominant ATM-related cancer predisposition and autosomal recessive Ataxia-Telangiectasia based on the ACMG/AMP criteria applied, as specified by the HBOP VCEP. (PVS1, PM5_Supporting, PM3, PP1, PM2_Supporting)

NM_000051.4(ATM):c.8206_8207del (p.Asn2736fs)

Genes: ATM (ATM serine/threonine kinase; plus strand), C11orf65 (chromosome 11 open reading frame 65; minus strand). Cytogenetic location: 11q22.3.
Variant type: Deletion.
Coding change: c.8206_8207del on transcript NM_000051.4 (MANE Select); coding-DNA positions 8206 to 8207, 2 bases deleted (AA; older notation c.8206_8207delAA).
Protein change: p.Asn2736fs; shifts the reading frame from asparagine 2736.
Molecular consequence: frameshift variant. On other transcripts: intron variant (2).
Genome position (GRCh38, 1-based): chr11:108,335,899-108,335,900, AA deleted. VCF-style (leftmost placement, unchanged base first): chr11-108335898-TAA-T. GRCh37 (hg19) VCF-style: chr11-108206625-TAA-T.
Other names: NR_147053.3:n.2300-608_2300-607del; c.8206_8207del, p.Asn2736fs (NM_001351834.2); c.641-26829_641-26828del (NM_001330368.2); c.695-608_695-607del (NM_001351110.2); short protein forms N2736fs.
Identifiers: ClinVar variation 4880287 (VCV004880287.1).
Genomic context (GRCh38, chr11:108,335,898, plus strand): 5'-TCTGAAGGGCCGTGATGACCTGAGACAAGATGCTGTCATGCAACAGGTCTTCCAGATGTG[TAA>T]TACATTACTGCAGAGAAACACGGAAACTAGGAAGAGGAAATTAACTATCTGTACTTATAA-3'